The following is an entry in ClinVar:

ClinVar aggregate classification (germline): Pathogenic (1 of 4 stars; one submission).

Conditions:
Mucopolysaccharidosis, MPS-II (MPS2). Also called: Hunter Syndrome; IDURONATE 2-SULFATASE DEFICIENCY; Mucopolysaccharidosis Type II; Mucopolysaccharidosis type 2; Attenuated MPS (subtype; formerly known as mild MPS II); Severe MPS II. Identifiers: Orphanet 580, Orphanet 79388, MedGen C0026705, MONDO:0010674, OMIM 309900.

Submission:

Laboratory of Diagnosis and Therapy of Lysosomal Disorders, University of Padova
Classification: Pathogenic for Mucopolysaccharidosis, MPS-II. Last evaluated: 2024-06-07. Review status: criteria provided, single submitter. Criteria: ACMG Guidelines, 2015. Collection method: literature only. Allele origin: germline. Affected: yes. Observed: 1 variant allele.
Comment: Null variant (PVS1_VeryStrong), Absent from controls (or at low frequency) in gnomAD database (PM2_Moderate), Patient’s phenotype or family history highly specific for the disease (PP4_Strong)

Classification method: ACMG Guidelines [PMID:25741868] with modifications

Literature cited by the submitters: PubMed 9762601.

NM_000202.8(IDS):c.504dup (p.Lys169Ter)

Genes: IDS (iduronate 2-sulfatase; minus strand), LOC106050102 (IDS recombination region; plus strand). Cytogenetic location: Xq28.
Variant type: Duplication.
Coding change: c.504dup on transcript NM_000202.8 (MANE Select); coding-DNA position 504, one base duplicated (T; older notation c.504dupT).
Protein change: p.Lys169Ter; replaces lysine 169 with a stop codon.
Molecular consequence: nonsense. On other transcripts: non-coding transcript variant (1).
Genome position (GRCh38, 1-based): chrX:149,500,952, A duplicated on the plus strand (T on the coding strand, the reverse complement: IDS is on the minus strand). VCF-style (leftmost placement, unchanged base first): chrX-149500951-T-TA. GRCh37 (hg19) VCF-style: chrX-148582482-T-TA.
Other names: c.234dup, p.Lys79Ter (NM_001166550.4); c.504dup, p.Lys169Ter (NM_006123.5); short protein forms K169*, K79*.
Identifiers: ClinVar variation 3255756 (VCV003255756.2).
Genomic context (GRCh38, chrX:149,500,951, plus strand): 5'-TTTATGTGACAAAGGAAAAAGTGGTTCCTCTTCAGAAATGTCCCTTTCACAGCCTTACCT[T>TA]AGTGTTTTCATACTTCTCAGAGGAAGGATGATAAGGTGGAAAAGACCAGCTATACGGAGA-3'